The following is an entry in ClinVar:

ClinVar aggregate classification (germline): Likely benign (1 of 4 stars; one submission).

Conditions:
PEX1-related disorder. Also called: PEX1-related condition.

gnomAD v4.1: 4 of 1,613,852 alleles (0.00025%); highest among the groups gnomAD compares: Admixed American, 0.0017%; no homozygotes.

Submission:

PreventionGenetics, part of Exact Sciences
Classification: Likely benign for PEX1-related condition. Last evaluated: 2025-12-06. Review status: criteria provided, single submitter. Criteria: ACMG Guidelines, 2015. Collection method: clinical testing. Allele origin: germline.
Comment: This variant is classified as likely benign based on ACMG/AMP sequence variant interpretation guidelines (Richards et al. 2015 PMID: 25741868, with internal and published modifications).

NM_000466.3(PEX1):c.1155A>G (p.Gln385=)

Gene: PEX1 (peroxisomal biogenesis factor 1; minus strand). Cytogenetic location: 7q21.2.
Variant type: single nucleotide variant.
Coding change: c.1155A>G on transcript NM_000466.3 (MANE Select); coding-DNA position 1155, A replaced by G.
Protein change: p.Gln385=; no amino-acid change (glutamine 385 retained).
Molecular consequence: synonymous variant.
Genome position (GRCh38, 1-based): chr7:92,517,360, T>C on the plus strand (A>G on the coding strand, the complement: PEX1 is on the minus strand). VCF-style: chr7-92517360-T-C. GRCh37 (hg19) VCF-style: chr7-92146674-T-C.
Other names: c.1155A>G, p.Gln385= (NM_001282677.2); c.531A>G, p.Gln177= (NM_001282678.2).
Identifiers: ClinVar variation 4977110 (VCV004977110.1).